The following is an entry in ClinVar:

ClinVar aggregate classification (germline): Likely benign. Review status: criteria provided, multiple submitters, no conflicts (2 of 4 stars). 3 submissions from 3 submitters: Likely benign (3). Last evaluated 2026-01-26.

Conditions:
3-methylglutaconic aciduria, type VIIB (MGCA7B). Also called: CLPB Deficiency; 3-methylglutaconic aciduria with cataracts, neurologic involvement and neutropenia; 3-methylglutaconic aciduria, type VII, with cataracts, neurologic involvement and neutropenia. Identifiers: Orphanet 445038, MedGen C5676893, MONDO:0014561, OMIM 616271.

Allele frequency attached by ClinVar (database versions not stated): ExAC 0.00012; gnomAD exomes 0.00012; 1000 Genomes Project 30x 0.00016; 1000 Genomes Project 0.00020; gnomAD 0.00049 and 0.00046; TOPMed 0.00050; ESP Exome Variant Server 0.00039.
gnomAD v4.1: 208 of 1,613,170 alleles (0.013%); highest among the groups gnomAD compares: African/African-American, 0.19%; 1 homozygote.

Submissions (3):

Labcorp Genetics (formerly Invitae), Labcorp
Classification: Likely benign for 3-methylglutaconic aciduria, type VIIB. Last evaluated: 2026-01-26. Review status: criteria provided, single submitter. Criteria: Invitae Variant Classification Sherloc (09022015). Collection method: clinical testing. Allele origin: germline.

Blueprint Genetics
Classification: Likely benign. Last evaluated: 2023-10-06. Review status: criteria provided, single submitter. Criteria: ACMG Guidelines, 2015. Collection method: clinical testing. Allele origin: germline.

GeneDx
Classification: Likely benign. Last evaluated: 2018-03-06. Review status: criteria provided, single submitter. Criteria: GeneDx Variant Classification (06012015). Collection method: clinical testing. Allele origin: germline. Affected: yes.
Comment: This variant is considered likely benign or benign based on one or more of the following criteria: it is a conservative change, it occurs at a poorly conserved position in the protein, it is predicted to be benign by multiple in silico algorithms, and/or has population frequency not consistent with disease.

NM_001258392.3(CLPB):c.1560+11T>C

Gene: CLPB (ClpB family mitochondrial disaggregase; minus strand). Cytogenetic location: 11q13.4.
Variant type: single nucleotide variant.
Coding change: c.1560+11T>C on transcript NM_001258392.3 (MANE Select); 11 bases into the intron after coding-DNA position 1560, T replaced by C.
Molecular consequence: intron variant.
Genome position (GRCh38, 1-based): chr11:72,294,609, A>G on the plus strand (T>C on the coding strand, the complement: CLPB is on the minus strand). VCF-style: chr11-72294609-A-G. GRCh37 (hg19) VCF-style: chr11-72005653-A-G.
Other names: c.1473+11T>C (NM_001258393.3); c.1650+11T>C (NM_030813.6); c.1515+11T>C (NM_001258394.3).
Identifiers: ClinVar variation 384217 (VCV000384217.10), dbSNP rs113954132, ClinGen allele CA6171127.